The following is an entry in ClinVar:

NM_020458.4(TTC7A):c.1026C>T (p.Ile342=)

Gene: TTC7A (tetratricopeptide repeat domain 7A; plus strand). Cytogenetic location: 2p21.
Variant type: single nucleotide variant.
Coding change: c.1026C>T on transcript NM_020458.4 (MANE Select); coding-DNA position 1026, C replaced by T.
Protein change: p.Ile342=; no amino-acid change (isoleucine 342 retained).
Molecular consequence: synonymous variant. On other transcripts: 5 prime UTR variant (1).
Genome position (GRCh38, 1-based): chr2:46,995,160, C>T. VCF-style: chr2-46995160-C-T. GRCh37 (hg19) VCF-style: chr2-47222299-C-T.
Other names: c.1026C>T, p.Ile342= (NM_001288951.2, LRG_1323t1); c.924C>T, p.Ile308= (NM_001288953.2); c.-37C>T (NM_001288955.2).
Identifiers: ClinVar variation 458792 (VCV000458792.39), dbSNP rs151317740, ClinGen allele CA1647455.

ClinVar aggregate classification (germline): Benign/Likely benign. Review status: criteria provided, multiple submitters, no conflicts (2 of 4 stars). 6 submissions from 6 submitters: Benign (2); Likely benign (2). 2 of the submissions do not count toward it. Last evaluated 2026-02-02.

Conditions:
Multiple gastrointestinal atresias. Also called: FAMILIAL INTESTINAL POLYATRESIA SYNDROME; Multiple intestinal atresia. Identifiers: Orphanet 2300, MedGen C0220744, MONDO:0009465.

Allele frequency attached by ClinVar (database versions not stated): TOPMed 0.00105; ESP Exome Variant Server 0.00185.
gnomAD v4.1: 2,885 of 1,614,168 alleles (0.18%); highest among the groups gnomAD compares: Middle Eastern, 0.23%; 2 homozygotes.

Submissions (6):

Labcorp Genetics (formerly Invitae), Labcorp
Classification: Benign for Multiple gastrointestinal atresias. Last evaluated: 2026-02-02. Review status: criteria provided, single submitter. Criteria: Invitae Variant Classification Sherloc (09022015). Collection method: clinical testing. Allele origin: germline.

Blueprint Genetics
Classification: Likely benign. Last evaluated: 2024-11-22. Review status: criteria provided, single submitter. Criteria: ACMG Guidelines, 2015. Collection method: clinical testing. Allele origin: germline.

CeGaT Center for Human Genetics Tuebingen
Classification: Likely benign. Last evaluated: 2024-01-01. Review status: criteria provided, single submitter. Criteria: CeGaT Center For Human Genetics Tuebingen Variant Classification Criteria Version 2. Collection method: clinical testing. Allele origin: germline. Affected: yes. Observed: 4 variant alleles.
Comment: TTC7A: BP4, BP7

Breakthrough Genomics
Classification: Benign. Review status: criteria provided, single submitter. Criteria: ACMG Guidelines, 2015. Collection method: not provided. Allele origin: germline. Inheritance: Autosomal recessive inheritance. Affected: yes.

Clinical Genetics DNA and cytogenetics Diagnostics Lab, Erasmus MC, Erasmus Medical Center
Classification: Likely benign. Review status: no assertion criteria provided. Collection method: clinical testing. Allele origin: germline. Affected: yes. Study: VKGL Data-share Consensus. Not counted in ClinVar's aggregate classification.

Genome Diagnostics Laboratory, University Medical Center Utrecht
Classification: Likely benign. Review status: no assertion criteria provided. Collection method: clinical testing. Allele origin: germline. Affected: yes. Study: VKGL Data-share Consensus. Not counted in ClinVar's aggregate classification.